The following is an entry in ClinVar:

NM_001145402.2(GARIN5B):c.1632T>C (p.Pro544=)

Gene: GARIN5B (golgi associated RAB2 interactor family member 5B; minus strand). Cytogenetic location: 19q13.42.
Variant type: single nucleotide variant.
Coding change: c.1632T>C on transcript NM_001145402.2 (MANE Select); coding-DNA position 1632, T replaced by C.
Protein change: p.Pro544=; no amino-acid change (proline 544 retained).
Molecular consequence: synonymous variant.
Genome position (GRCh38, 1-based): chr19:55,359,236, A>G on the plus strand (T>C on the coding strand, the complement: GARIN5B is on the minus strand). VCF-style: chr19-55359236-A-G. GRCh37 (hg19) VCF-style: chr19-55870604-A-G.
Identifiers: ClinVar variation 2650521 (VCV002650521.24), dbSNP rs143751695, ClinGen allele CA9673899.

ClinVar aggregate classification (germline): Likely benign (1 of 4 stars; one submission).

Allele frequency attached by ClinVar (database versions not stated): 1000 Genomes Project 0.00579; 1000 Genomes Project 30x 0.00593; ESP Exome Variant Server 0.00701; ExAC 0.00704; gnomAD exomes 0.00993.
gnomAD v4.1: 14,778 of 1,551,000 alleles (0.95%); highest among the groups gnomAD compares: Non-Finnish European, 1.1%; 88 homozygotes.

Submission:

CeGaT Center for Human Genetics Tuebingen
Classification: Likely benign. Last evaluated: 2022-12-01. Review status: criteria provided, single submitter. Criteria: CeGaT Center For Human Genetics Tuebingen Variant Classification Criteria Version 2. Collection method: clinical testing. Allele origin: germline. Affected: yes. Observed: 1 variant allele.
Comment: GARIN5B: BP4, BP7, BS2